The following is an entry in ClinVar:

NM_015151.4(DIP2A):c.2174dup (p.Ala726fs)

Gene: DIP2A (DIP2 acetate--CoA ligase A; plus strand). Cytogenetic location: 21q22.3.
Variant type: Duplication.
Coding change: c.2174dup on transcript NM_015151.4 (MANE Select); coding-DNA position 2174, one base duplicated (G; older notation c.2174dupG).
Protein change: p.Ala726fs; shifts the reading frame from alanine 726.
Molecular consequence: frameshift variant.
Genome position (GRCh38, 1-based): chr21:46,541,893, G duplicated; the last of 2 consecutive G bases (chr21:46,541,892-46,541,893); duplicating either gives the same sequence. VCF-style (leftmost placement, unchanged base first): chr21-46541891-T-TG. GRCh37 (hg19) VCF-style: chr21-47961804-T-TG.
Other names: c.2174dup, p.Ala726fs (NM_206889.3, NM_206890.3, NM_206891.3 and 2 more transcripts); c.2045dup, p.Ala683fs (NM_001146115.2); c.2162dup, p.Ala722fs (NM_001146116.2); c.2177dup, p.Ala727fs (NM_001353942.2); c.1925dup, p.Ala643fs (NM_001353944.2); short protein forms A643fs, A683fs, A722fs, A726fs, A727fs.
Identifiers: ClinVar variation 3897609 (VCV003897609.1).

ClinVar aggregate classification (germline): Likely pathogenic (1 of 4 stars; one submission).

Conditions:
Autism spectrum disorder. Also called: Autism spectrum disorders. Identifiers: MedGen C1510586, MeSH D000067877, MONDO:0005258.

Submission:

Genetics Laboratory, UDIAT-Centre Diagnòstic, Hospital Universitari Parc Tauli
Classification: Likely pathogenic for autism spectrum disorder. Last evaluated: 2023-03-13. Review status: criteria provided, single submitter. Criteria: ACMG Guidelines, 2015. Collection method: clinical testing. Allele origin: unknown. Inheritance: Autosomal dominant inheritance. Affected: yes.
Comment: PVS1_very strong;PM2_supporting